The following is an entry in ClinVar:

ClinVar aggregate classification (germline): Likely benign. Review status: criteria provided, multiple submitters, no conflicts (2 of 4 stars). 3 submissions from 3 submitters: Likely benign (3). Last evaluated 2025-07-15.

Conditions:
TJP2-related disorder. Also called: TJP2-related condition.

Allele frequency attached by ClinVar (database versions not stated): gnomAD exomes below 0.00001; gnomAD 0.00002.
gnomAD v4.1: 7 of 1,610,240 alleles (0.00043%); highest among the groups gnomAD compares: African/African-American, 0.004%; no homozygotes.

Submissions (3):

PreventionGenetics, part of Exact Sciences
Classification: Likely benign for TJP2-related condition. Last evaluated: 2025-07-15. Review status: criteria provided, single submitter. Criteria: ACMG Guidelines, 2015. Collection method: clinical testing. Allele origin: germline.
Comment: This variant is classified as likely benign based on ACMG/AMP sequence variant interpretation guidelines (Richards et al. 2015 PMID: 25741868, with internal and published modifications).

Labcorp Genetics (formerly Invitae), Labcorp
Classification: Likely benign. Last evaluated: 2025-06-12. Review status: criteria provided, single submitter. Criteria: Invitae Variant Classification Sherloc (09022015). Collection method: clinical testing. Allele origin: germline.

GeneDx
Classification: Likely benign. Last evaluated: 2020-12-09. Review status: criteria provided, single submitter. Criteria: GeneDx Variant Classification Process June 2021. Collection method: clinical testing. Allele origin: germline. Affected: yes.

NM_004817.4(TJP2):c.1053C>T (p.Leu351=)

Gene: TJP2 (tight junction protein 2; plus strand). Cytogenetic location: 9q21.11.
Variant type: single nucleotide variant.
Coding change: c.1053C>T on transcript NM_004817.4 (MANE Select); coding-DNA position 1053, C replaced by T.
Protein change: p.Leu351=; no amino-acid change (leucine 351 retained).
Molecular consequence: synonymous variant.
Genome position (GRCh38, 1-based): chr9:69,225,404, C>T. VCF-style: chr9-69225404-C-T. GRCh37 (hg19) VCF-style: chr9-71840320-C-T.
Other names: c.984C>T, p.Leu328= (NM_001170414.2, NM_001369870.1, NM_001369871.1); c.1065C>T, p.Leu355= (NM_001170415.1, NM_001369874.1, NM_001369875.1); c.1146C>T, p.Leu382= (NM_001170416.2); c.1053C>T, p.Leu351= (NM_001369872.1, NM_001369873.1, NM_201629.3).
Identifiers: ClinVar variation 1199508 (VCV001199508.6), dbSNP rs1056969112, ClinGen allele CA193357934.